The following is an entry in ClinVar:

ClinVar aggregate classification (germline): Uncertain significance (1 of 4 stars; one submission).

Allele frequency attached by ClinVar (database versions not stated): gnomAD exomes below 0.00001.
gnomAD v4.1: 2 of 1,612,788 alleles (0.00012%); highest among the groups gnomAD compares: African/African-American, 0.0013%; no homozygotes.

Submission:

Labcorp Genetics (formerly Invitae), Labcorp
Classification: Uncertain significance. Last evaluated: 2024-02-18. Review status: criteria provided, single submitter. Criteria: Invitae Variant Classification Sherloc (09022015). Collection method: clinical testing. Allele origin: germline.
Comment: This sequence change replaces proline, which is neutral and non-polar, with histidine, which is basic and polar, at codon 1062 of the C3 protein (p.Pro1062His). This variant is not present in population databases (gnomAD no frequency). This variant has not been reported in the literature in individuals affected with C3-related conditions. Advanced modeling of protein sequence and biophysical properties (such as structural, functional, and spatial information, amino acid conservation, physicochemical variation, residue mobility, and thermodynamic stability) performed at Invitae indicates that this missense variant is not expected to disrupt C3 protein function with a negative predictive value of 80%. In summary, the available evidence is currently insufficient to determine the role of this variant in disease. Therefore, it has been classified as a Variant of Uncertain Significance.

NM_000064.4(C3):c.3185C>A (p.Pro1062His)

Gene: C3 (complement C3; minus strand). Cytogenetic location: 19p13.3.
Variant type: single nucleotide variant.
Coding change: c.3185C>A on transcript NM_000064.4 (MANE Select); coding-DNA position 3185, C replaced by A.
Protein change: p.Pro1062His; replaces proline 1062 with histidine.
Molecular consequence: missense variant.
Genome position (GRCh38, 1-based): chr19:6,693,457, G>T on the plus strand (C>A on the coding strand, the complement: C3 is on the minus strand). VCF-style: chr19-6693457-G-T. GRCh37 (hg19) VCF-style: chr19-6693468-G-T.
Other names: short protein forms P1062H.
Identifiers: ClinVar variation 2872747 (VCV002872747.3), dbSNP rs374367611, ClinGen allele CA304783064.